The following is an entry in ClinVar:

NM_003356.4(UCP3):c.356G>A (p.Arg119Gln)

Gene: UCP3 (uncoupling protein 3; minus strand). Cytogenetic location: 11q13.4.
Variant type: single nucleotide variant.
Coding change: c.356G>A on transcript NM_003356.4 (MANE Select); coding-DNA position 356, G replaced by A.
Protein change: p.Arg119Gln; replaces arginine 119 with glutamine.
Molecular consequence: missense variant.
Genome position (GRCh38, 1-based): chr11:74,005,915, C>T on the plus strand (G>A on the coding strand, the complement: UCP3 is on the minus strand). VCF-style: chr11-74005915-C-T. GRCh37 (hg19) VCF-style: chr11-73716960-C-T.
Other names: NC_000011.9:g.73716960C>T; c.356G>A, p.Arg119Gln (NM_022803.3); short protein forms R119Q.
Identifiers: ClinVar variation 738391 (VCV000738391.8), dbSNP rs17848372, ClinGen allele CA6181509.

ClinVar aggregate classification (germline): Likely benign. Review status: criteria provided, multiple submitters, no conflicts (2 of 4 stars). 3 submissions from 3 submitters: Likely benign (2). 1 of the submissions does not count toward it. Last evaluated 2021-11-29.

Conditions:
UCP3-related disorder. Also called: UCP3-related condition.
Obesity. Also called: Obesity disorder. Identifiers: Orphanet 71529, MedGen C0028754, MeSH D009765, MONDO:0011122, HP:0001513.

Allele frequency attached by ClinVar (database versions not stated): gnomAD exomes 0.00019 and 0.00055; gnomAD 0.00035 and 0.00041; TOPMed 0.00045; ExAC 0.00063; ESP Exome Variant Server 0.00054; 1000 Genomes Project 30x 0.00141; 1000 Genomes Project 0.00160.
gnomAD v4.1: 340 of 1,614,136 alleles (0.021%); highest among the groups gnomAD compares: East Asian, 0.53%; no homozygotes.

Submissions (5):

Fulgent Genetics
Classification: Likely benign for Inherited obesity. Last evaluated: 2021-11-29. Review status: criteria provided, single submitter. Criteria: ACMG Guidelines, 2015. Collection method: clinical testing. Allele origin: unknown.

Labcorp Genetics (formerly Invitae), Labcorp
Classification: Likely benign. Last evaluated: 2019-12-31. Review status: criteria provided, single submitter. Criteria: Invitae Variant Classification Sherloc (09022015). Collection method: clinical testing. Allele origin: germline.

PreventionGenetics, part of Exact Sciences
Classification: Benign for UCP3-related condition. Last evaluated: 2021-05-19. Review status: no assertion criteria provided. Collection method: clinical testing. Allele origin: germline. Not counted in ClinVar's aggregate classification.
Comment: This variant is classified as benign based on ACMG/AMP sequence variant interpretation guidelines (Richards et al. 2015 PMID: 25741868, with internal and published modifications).

Dr. Peter K. Rogan Lab, Western University
No classification provided (evidence only). Condition: Cervical cancer. Review status: no classification provided. Collection method: in vitro. Allele origin: not applicable. Functional consequence: retained intron. Not counted in ClinVar's aggregate classification.

Dr. Peter K. Rogan Lab, Western University
No classification provided (evidence only). Condition: Gastric cancer. Review status: no classification provided. Collection method: in vitro. Allele origin: not applicable. Functional consequence: retained intron. Not counted in ClinVar's aggregate classification.